The following is an entry in ClinVar:

NM_030777.4(SLC2A10):c.251T>C (p.Val84Ala)

Gene: SLC2A10 (solute carrier family 2 member 10; plus strand). Cytogenetic location: 20q13.12.
Variant type: single nucleotide variant.
Coding change: c.251T>C on transcript NM_030777.4 (MANE Select); coding-DNA position 251, T replaced by C.
Protein change: p.Val84Ala; replaces valine 84 with alanine.
Molecular consequence: missense variant.
Genome position (GRCh38, 1-based): chr20:46,725,287, T>C. VCF-style: chr20-46725287-T-C. GRCh37 (hg19) VCF-style: chr20-45353926-T-C.
Other names: p.Val84Ala; short protein forms V84A.
Identifiers: ClinVar variation 1792524 (VCV001792524.3), dbSNP rs2515586847, ClinGen allele CA409266655.
Genomic context (GRCh38, chr20:46,725,287, plus strand): 5'-TTGGTGGCTTCCTCATTGACTGCTATGGCAGGAAGCAAGCCATCCTCGGGAGCAACTTGG[T>C]GCTGCTGGCAGGCAGCCTGACCCTGGGCCTGGCTGGTTCCCTGGCCTGGCTGGTCCTGGG-3'
Protein context (NP_110404.1, residues 74-94): RKQAILGSNL[Val84Ala]LLAGSLTLGL

ClinVar aggregate classification (germline): Uncertain significance. Review status: criteria provided, multiple submitters, no conflicts (2 of 4 stars). 2 submissions from 2 submitters: Uncertain significance (2). Last evaluated 2025-03-07.

Conditions:
Familial thoracic aortic aneurysm and aortic dissection (TAAD). Also called: Thoracic aortic aneurysms and dissections. Identifiers: Orphanet 91387, MedGen C4707243, MONDO:0019625.

Allele frequency attached by ClinVar (database versions not stated): gnomAD exomes below 0.00001.

Submissions (2):

Mayo Clinic Laboratories, Mayo Clinic
Classification: Uncertain significance. Last evaluated: 2025-03-07. Review status: criteria provided, single submitter. Criteria: ACMG Guidelines, 2015. Collection method: clinical testing. Allele origin: germline. Observed: 1 variant allele.
Comment: PM2_supporting

Ambry Genetics
Classification: Uncertain significance for Familial thoracic aortic aneurysm and aortic dissection. Last evaluated: 2021-11-04. Review status: criteria provided, single submitter. Criteria: Ambry Variant Classification Scheme 2023. Collection method: clinical testing. Allele origin: germline.
Comment: The p.V84A variant (also known as c.251T>C), located in coding exon 2 of the SLC2A10 gene, results from a T to C substitution at nucleotide position 251. The valine at codon 84 is replaced by alanine, an amino acid with similar properties. This amino acid position is conserved. In addition, this alteration is predicted to be tolerated by in silico analysis. Since supporting evidence is limited at this time, the clinical significance of this alteration remains unclear.